The following is an entry in ClinVar:

NM_003901.4(SGPL1):c.236G>A (p.Arg79Lys)

Gene: SGPL1 (sphingosine-1-phosphate lyase 1; plus strand). Cytogenetic location: 10q22.1.
Variant type: single nucleotide variant.
Coding change: c.236G>A on transcript NM_003901.4 (MANE Select); coding-DNA position 236, G replaced by A.
Protein change: p.Arg79Lys; replaces arginine 79 with lysine.
Molecular consequence: missense variant.
Genome position (GRCh38, 1-based): chr10:70,851,185, G>A. VCF-style: chr10-70851185-G-A. GRCh37 (hg19) VCF-style: chr10-72610942-G-A.
Other names: short protein forms R79K.
Identifiers: ClinVar variation 2115608 (VCV002115608.4), dbSNP rs886413276, ClinGen allele CA209376923.

ClinVar aggregate classification (germline): Uncertain significance (1 of 4 stars; one submission).

Allele frequency attached by ClinVar (database versions not stated): gnomAD exomes below 0.00001; gnomAD 0.00001; TOPMed 0.00001.
gnomAD v4.1: 3 of 1,613,710 alleles (0.00019%); highest among the groups gnomAD compares: Non-Finnish European, 0.00025%; no homozygotes.

Submission:

Labcorp Genetics (formerly Invitae), Labcorp
Classification: Uncertain significance. Last evaluated: 2022-05-09. Review status: criteria provided, single submitter. Criteria: Invitae Variant Classification Sherloc (09022015). Collection method: clinical testing. Allele origin: germline.
Comment: In summary, the available evidence is currently insufficient to determine the role of this variant in disease. Therefore, it has been classified as a Variant of Uncertain Significance. Algorithms developed to predict the effect of missense changes on protein structure and function (SIFT, PolyPhen-2, Align-GVGD) all suggest that this variant is likely to be tolerated. This sequence change replaces arginine, which is basic and polar, with lysine, which is basic and polar, at codon 79 of the SGPL1 protein (p.Arg79Lys). This variant is present in population databases (no rsID available, gnomAD 0.0009%). This variant has not been reported in the literature in individuals affected with SGPL1-related conditions.